The following is an entry in ClinVar:

ClinVar aggregate classification (germline): Likely benign (0 of 4 stars; one submission).

Conditions:
PLEKHA7-related disorder. Also called: PLEKHA7-related condition.

Allele frequency attached by ClinVar (database versions not stated): gnomAD exomes 0.00013; ExAC 0.00040; ESP Exome Variant Server 0.00077; 1000 Genomes Project 30x 0.00125; 1000 Genomes Project 0.00140; gnomAD 0.00147; TOPMed 0.00159.

Submission:

PreventionGenetics, part of Exact Sciences
Classification: Likely benign for PLEKHA7-related condition. Last evaluated: 2022-12-16. Review status: no assertion criteria provided. Collection method: clinical testing. Allele origin: germline.
Comment: This variant is classified as likely benign based on ACMG/AMP sequence variant interpretation guidelines (Richards et al. 2015 PMID: 25741868, with internal and published modifications).

NM_001329630.2(PLEKHA7):c.1203T>C (p.Tyr401=)

Gene: PLEKHA7 (pleckstrin homology domain containing A7; minus strand). Cytogenetic location: 11p15.2.
Variant type: single nucleotide variant.
Coding change: c.1203T>C on transcript NM_001329630.2 (MANE Select); coding-DNA position 1203, T replaced by C.
Protein change: p.Tyr401=; no amino-acid change (tyrosine 401 retained).
Molecular consequence: synonymous variant.
Genome position (GRCh38, 1-based): chr11:16,826,260, A>G on the plus strand (T>C on the coding strand, the complement: PLEKHA7 is on the minus strand). VCF-style: chr11-16826260-A-G. GRCh37 (hg19) VCF-style: chr11-16847807-A-G.
Other names: c.1203T>C, p.Tyr401= (NM_001329631.2, NM_001410960.1, NM_175058.5).
Identifiers: ClinVar variation 3035834 (VCV003035834.2), dbSNP rs79411837, ClinGen allele CA5899525.